The following is an entry in ClinVar:

NM_000432.4(MYL2):c.4-8del

Genes: MYL2 (myosin light chain 2; minus strand), LOC114827850 (VISTA enhancer hs2149; plus strand). Cytogenetic location: 12q24.11.
Variant type: Deletion.
Coding change: c.4-8del on transcript NM_000432.4 (MANE Select); 8 bases into the intron before coding-DNA position 4, one base deleted (T; older notation c.4-8delT).
Molecular consequence: intron variant.
Genome position (GRCh38, 1-based): chr12:110,919,201, A deleted on the plus strand (T on the coding strand, the reverse complement: MYL2 is on the minus strand); the first of 6 consecutive A bases (chr12:110,919,201-110,919,206); deleting any one gives the same sequence. VCF-style (leftmost placement, unchanged base first): chr12-110919200-GA-G. GRCh37 (hg19) VCF-style: chr12-111357004-GA-G.
Identifiers: ClinVar variation 2150105 (VCV002150105.5), dbSNP rs756245911, ClinGen allele CA043388.

ClinVar aggregate classification (germline): Benign/Likely benign. Review status: criteria provided, multiple submitters, no conflicts (2 of 4 stars). 2 submissions from 2 submitters: Benign (1); Likely benign (1). Last evaluated 2024-03-24.

Conditions:
Hypertrophic cardiomyopathy 10. Also called: CARDIOMYOPATHY, HYPERTROPHIC, MID-LEFT VENTRICULAR CHAMBER TYPE, 2; MYL2-Related Familial Hypertrophic Cardiomyopathy. Identifiers: MedGen C1834460, MONDO:0012112, OMIM 608758.
Hypertrophic cardiomyopathy. Also called: HYPERTROPHIC MYOCARDIOPATHY. Identifiers: Orphanet 217569, MedGen C0007194, MeSH D002312, MONDO:0005045, HP:0001639.

Submissions (2):

All of Us Research Program, National Institutes of Health
Classification: Likely benign for Hypertrophic cardiomyopathy. Last evaluated: 2024-03-24. Review status: criteria provided, single submitter. Criteria: ACMG Guidelines, 2015. Collection method: clinical testing. Allele origin: germline. Inheritance: Autosomal dominant inheritance. Observed: 1 variant allele, 1 heterozygote.
Comment: This study involves interpretation of variants in research participants for the purpose of population health screening. Participant phenotype was not available at the time of variant classification. Additional details can be found in publication PMID: 35346344, PMCID: PMC8962531

Labcorp Genetics (formerly Invitae), Labcorp
Classification: Benign for Hypertrophic cardiomyopathy 10. Last evaluated: 2023-01-10. Review status: criteria provided, single submitter. Criteria: Invitae Variant Classification Sherloc (09022015). Collection method: clinical testing. Allele origin: germline.